The following is an entry in ClinVar:

NM_006015.6(ARID1A):c.3569C>T (p.Ala1190Val)

Genes: ARID1A (AT-rich interaction domain 1A; plus strand), LOC126805670 (CDK7 strongly-dependent group 2 enhancer GRCh37_chr1:27098665-27099864; plus strand). Cytogenetic location: 1p36.11.
Variant type: single nucleotide variant.
Coding change: c.3569C>T on transcript NM_006015.6 (MANE Select); coding-DNA position 3569, C replaced by T.
Protein change: p.Ala1190Val; replaces alanine 1190 with valine.
Molecular consequence: missense variant.
Genome position (GRCh38, 1-based): chr1:26,772,841, C>T. VCF-style: chr1-26772841-C-T. GRCh37 (hg19) VCF-style: chr1-27099332-C-T.
Other names: c.3569C>T, p.Ala1190Val (NM_139135.4); short protein forms A1190V.
Identifiers: ClinVar variation 3641524 (VCV003641524.2).

ClinVar aggregate classification (germline): Uncertain significance (1 of 4 stars; one submission).

Submission:

Labcorp Genetics (formerly Invitae), Labcorp
Classification: Uncertain significance. Last evaluated: 2024-02-23. Review status: criteria provided, single submitter. Criteria: Invitae Variant Classification Sherloc (09022015). Collection method: clinical testing. Allele origin: germline.
Comment: This sequence change replaces alanine, which is neutral and non-polar, with valine, which is neutral and non-polar, at codon 1190 of the ARID1A protein (p.Ala1190Val). This variant is not present in population databases (gnomAD no frequency). This variant has not been reported in the literature in individuals affected with ARID1A-related conditions. Advanced modeling of protein sequence and biophysical properties (such as structural, functional, and spatial information, amino acid conservation, physicochemical variation, residue mobility, and thermodynamic stability) performed at Invitae indicates that this missense variant is not expected to disrupt ARID1A protein function with a negative predictive value of 80%. In summary, the available evidence is currently insufficient to determine the role of this variant in disease. Therefore, it has been classified as a Variant of Uncertain Significance.